The following is an entry in ClinVar:

ClinVar aggregate classification (germline): Uncertain significance. Review status: criteria provided, multiple submitters, no conflicts (2 of 4 stars). 2 submissions from 2 submitters: Uncertain significance (2). Last evaluated 2025-04-17.

Conditions:
Cornelia de Lange syndrome 1 (CDLS1). Also called: TYPUS DEGENERATIVUS AMSTELODAMENSIS; Brachmann de Lange syndrome; NIPBL-Related Cornelia de Lange Syndrome. Identifiers: Orphanet 199, MedGen C4551851, MONDO:0007387, OMIM 122470.

gnomAD v4.1: 2 of 1,613,852 alleles (0.00012%); highest among the groups gnomAD compares: Non-Finnish European, 0.00017%; no homozygotes.

Submissions (2):

Labcorp Genetics (formerly Invitae), Labcorp
Classification: Uncertain significance for Cornelia de Lange syndrome 1. Last evaluated: 2025-04-17. Review status: criteria provided, single submitter. Criteria: Invitae Variant Classification Sherloc (09022015). Collection method: clinical testing. Allele origin: germline.
Comment: This sequence change replaces alanine, which is neutral and non-polar, with valine, which is neutral and non-polar, at codon 55 of the NIPBL protein (p.Ala55Val). This variant is not present in population databases (gnomAD no frequency). This variant has not been reported in the literature in individuals affected with NIPBL-related conditions. ClinVar contains an entry for this variant (Variation ID: 3592219). Invitae Evidence Modeling of protein sequence and biophysical properties (such as structural, functional, and spatial information, amino acid conservation, physicochemical variation, residue mobility, and thermodynamic stability) indicates that this missense variant is not expected to disrupt NIPBL protein function with a negative predictive value of 95%. In summary, the available evidence is currently insufficient to determine the role of this variant in disease. Therefore, it has been classified as a Variant of Uncertain Significance.

Fulgent Genetics
Classification: Uncertain significance for Cornelia de Lange syndrome 1. Last evaluated: 2024-05-12. Review status: criteria provided, single submitter. Criteria: ACMG Guidelines, 2015. Collection method: clinical testing. Allele origin: germline.

NM_133433.4(NIPBL):c.164C>T (p.Ala55Val)

Gene: NIPBL (NIPBL cohesin loading factor; plus strand). Cytogenetic location: 5p13.2.
Variant type: single nucleotide variant.
Coding change: c.164C>T on transcript NM_133433.4 (MANE Select); coding-DNA position 164, C replaced by T.
Protein change: p.Ala55Val; replaces alanine 55 with valine.
Molecular consequence: missense variant.
Genome position (GRCh38, 1-based): chr5:36,955,571, C>T. VCF-style: chr5-36955571-C-T. GRCh37 (hg19) VCF-style: chr5-36955673-C-T.
Other names: c.164C>T, p.Ala55Val (NM_015384.5); short protein forms A55V.
Identifiers: ClinVar variation 3592219 (VCV003592219.2).
Genomic context (GRCh38, chr5:36,955,571, plus strand): 5'-CAACTACAAAGAGCCTTCTCTTTAATGCACGAATAGCAGAAGAGGTGAACTGCCTTTTGG[C>T]TTGTAGGGATGACAATTTGGTTTCACAGCTTGTCCATAGCCTCAACCAGGTATCAACAGA-3'
Protein context (NP_597677.2, residues 45-65): RIAEEVNCLL[Ala55Val]CRDDNLVSQL